The following is an entry in ClinVar:

ClinVar aggregate classification (germline): Uncertain significance (1 of 4 stars; one submission).

Allele frequency attached by ClinVar (database versions not stated): gnomAD 0.00001; TOPMed 0.00002.
gnomAD v4.1: 1 of 1,613,858 alleles (0.000062%); highest among the groups gnomAD compares: African/African-American, 0.0013%; no homozygotes.

Submission:

Labcorp Genetics (formerly Invitae), Labcorp
Classification: Uncertain significance. Last evaluated: 2022-04-18. Review status: criteria provided, single submitter. Criteria: Invitae Variant Classification Sherloc (09022015). Collection method: clinical testing. Allele origin: germline.
Comment: This sequence change falls in intron 34 of the DMXL2 gene. It does not directly change the encoded amino acid sequence of the DMXL2 protein. It affects a nucleotide within the consensus splice site. This variant is not present in population databases (gnomAD no frequency). This variant has not been reported in the literature in individuals affected with DMXL2-related conditions. Variants that disrupt the consensus splice site are a relatively common cause of aberrant splicing (PMID: 17576681, 9536098). Algorithms developed to predict the effect of sequence changes on RNA splicing suggest that this variant is not likely to affect RNA splicing. In summary, the available evidence is currently insufficient to determine the role of this variant in disease. Therefore, it has been classified as a Variant of Uncertain Significance.

Literature cited by the submitters: PubMed 17576681; PubMed 9536098.

NM_001378457.1(DMXL2):c.8076+5A>G

Gene: DMXL2 (Dmx like 2; minus strand). Cytogenetic location: 15q21.2.
Variant type: single nucleotide variant.
Coding change: c.8076+5A>G on transcript NM_001378457.1 (MANE Select); 5 bases into the intron after coding-DNA position 8076, A replaced by G.
Molecular consequence: intron variant.
Genome position (GRCh38, 1-based): chr15:51,458,704, T>C on the plus strand (A>G on the coding strand, the complement: DMXL2 is on the minus strand). VCF-style: chr15-51458704-T-C. GRCh37 (hg19) VCF-style: chr15-51750901-T-C.
Other names: c.5991+5A>G (NM_001378460.1); c.6102+5A>G (NM_001174117.3); c.8010+5A>G (NM_015263.5); c.8073+5A>G (NM_001378458.1); c.7788+5A>G (NM_001378459.1); c.8013+5A>G (NM_001174116.3).
Identifiers: ClinVar variation 2127668 (VCV002127668.1), dbSNP rs999667291, ClinGen allele CA270581596.